The following is an entry in ClinVar:

NM_001005242.3(PKP2):c.218G>C (p.Gly73Ala)

Gene: PKP2 (plakophilin 2; minus strand). Cytogenetic location: 12p11.21.
Variant type: single nucleotide variant.
Coding change: c.218G>C on transcript NM_001005242.3 (MANE Select); coding-DNA position 218, G replaced by C.
Protein change: p.Gly73Ala; replaces glycine 73 with alanine.
Molecular consequence: missense variant. On other transcripts: 5 prime UTR variant (4).
Genome position (GRCh38, 1-based): chr12:32,896,514, C>G on the plus strand (G>C on the coding strand, the complement: PKP2 is on the minus strand). VCF-style: chr12-32896514-C-G. GRCh37 (hg19) VCF-style: chr12-33049448-C-G.
Other names: c.218G>C, p.Gly73Ala (NM_001407155.1, NM_001407156.1, NM_001407157.1 and 2 more transcripts); c.-609G>C (NM_001407158.1, NM_001407162.1); c.-373G>C (NM_001407159.1, NM_001407160.1); short protein forms G73A.
Identifiers: ClinVar variation 2861139 (VCV002861139.3), dbSNP rs1231494456, ClinGen allele CA384370409.

ClinVar aggregate classification (germline): Uncertain significance (1 of 4 stars; one submission).

Conditions:
Arrhythmogenic right ventricular dysplasia 9 (ARVD9). Also called: Arrhythmogenic Right Ventricular Dysplasia/Cardiomyopathy 9; ARRHYTHMOGENIC RIGHT VENTRICULAR DYSPLASIA, FAMILIAL, 9. Identifiers: MedGen C1836906, MONDO:0012180, OMIM 609040.

Allele frequency attached by ClinVar (database versions not stated): gnomAD exomes below 0.00001.
gnomAD v4.1: 2 of 1,526,464 alleles (0.00013%); highest among the groups gnomAD compares: Non-Finnish European, 0.00018%; no homozygotes.

Submission:

Labcorp Genetics (formerly Invitae), Labcorp
Classification: Uncertain significance for Arrhythmogenic right ventricular dysplasia 9. Last evaluated: 2023-05-01. Review status: criteria provided, single submitter. Criteria: Invitae Variant Classification Sherloc (09022015). Collection method: clinical testing. Allele origin: germline.
Comment: In summary, the available evidence is currently insufficient to determine the role of this variant in disease. Therefore, it has been classified as a Variant of Uncertain Significance. Algorithms developed to predict the effect of missense changes on protein structure and function output the following: SIFT: "Not Available"; PolyPhen-2: "Benign"; Align-GVGD: "Not Available". The alanine amino acid residue is found in multiple mammalian species, which suggests that this missense change does not adversely affect protein function. This variant has not been reported in the literature in individuals affected with PKP2-related conditions. This variant is not present in population databases (gnomAD no frequency). This sequence change replaces glycine, which is neutral and non-polar, with alanine, which is neutral and non-polar, at codon 73 of the PKP2 protein (p.Gly73Ala).